The following is an entry in ClinVar:

NM_006269.2(RP1):c.2671del (p.Arg891fs)

Gene: RP1 (RP1 axonemal microtubule associated; plus strand). Cytogenetic location: 8q12.1.
Variant type: Deletion.
Coding change: c.2671del on transcript NM_006269.2 (MANE Select); coding-DNA position 2671, one base deleted (A; older notation c.2671delA).
Protein change: p.Arg891fs; shifts the reading frame from arginine 891.
Molecular consequence: frameshift variant. On other transcripts: intron variant (1).
Genome position (GRCh38, 1-based): chr8:54,626,553, A deleted. VCF-style (leftmost placement, unchanged base first): chr8-54626552-CA-C. GRCh37 (hg19) VCF-style: chr8-55539112-CA-C.
Other names: c.787+4265del (NM_001375654.1); short protein forms R891fs.
Identifiers: ClinVar variation 865789 (VCV000865789.12), dbSNP rs1806057300, ClinGen allele CA916082990.

ClinVar aggregate classification (germline): Pathogenic/Likely pathogenic. Review status: criteria provided, multiple submitters, no conflicts (2 of 4 stars). 2 submissions from 2 submitters: Pathogenic (1); Likely pathogenic (1). Last evaluated 2025-03-31.

Conditions:
RP1-related disorder. Also called: RP1-related condition.

Submissions (2):

Labcorp Genetics (formerly Invitae), Labcorp
Classification: Pathogenic. Last evaluated: 2025-03-31. Review status: criteria provided, single submitter. Criteria: Invitae Variant Classification Sherloc (09022015). Collection method: clinical testing. Allele origin: germline.
Comment: This sequence change creates a premature translational stop signal (p.Arg891Glyfs*5) in the RP1 gene. While this is not anticipated to result in nonsense mediated decay, it is expected to disrupt the last 1266 amino acid(s) of the RP1 protein. This variant is not present in population databases (gnomAD no frequency). This premature translational stop signal has been observed in individual(s) with autosomal dominant retinitis pigmentosa (internal data). ClinVar contains an entry for this variant (Variation ID: 865789). This variant disrupts the C-terminus of the RP1 protein. Many variants that disrupt this region have been reported in individuals with either autosomal dominant or autosomal recessive retinitis pigmentosa (PMID: 11527933, 19933189, 29425069, 30027431, 33681214). Therefore, variants that disrupt this region are expected to be disease-causing. For these reasons, this variant has been classified as Pathogenic.

Blueprint Genetics
Classification: Likely pathogenic for RP1-related disorders. Last evaluated: 2018-10-15. Review status: criteria provided, single submitter. Criteria: ACMG Guidelines, 2015. Collection method: clinical testing. Allele origin: germline. Affected: yes. Observed: 1 variant allele.

Literature cited by the submitters: PubMed 11527933 (cited by Labcorp Genetics (formerly Invitae), Labcorp); PubMed 19933189 (cited by Labcorp Genetics (formerly Invitae), Labcorp); PubMed 29425069 (cited by Labcorp Genetics (formerly Invitae), Labcorp); PubMed 30027431 (cited by Labcorp Genetics (formerly Invitae), Labcorp); PubMed 33681214 (cited by Labcorp Genetics (formerly Invitae), Labcorp).